The following is an entry in ClinVar:

NM_000203.5(IDUA):c.-2C>G

Genes: IDUA (alpha-L-iduronidase; plus strand), SLC26A1 (solute carrier family 26 member 1; minus strand). Cytogenetic location: 4p16.3.
Variant type: single nucleotide variant.
Coding change: c.-2C>G on transcript NM_000203.5 (MANE Select); 2 bases upstream of the start codon, C replaced by G.
Molecular consequence: 5 prime UTR variant. On other transcripts: non-coding transcript variant (1), intron variant (1).
Genome position (GRCh38, 1-based): chr4:987,083, C>G. VCF-style: chr4-987083-C-G. GRCh37 (hg19) VCF-style: chr4-980871-C-G.
Other names: NM_134425.4:c.576+4045G>C; c.576+4045G>C (NM_134425.4).
Identifiers: ClinVar variation 5016543 (VCV005016543.1).

ClinVar aggregate classification (germline): Uncertain significance (3 of 4 stars; one submission).

Conditions:
Mucopolysaccharidosis type 1. Also called: IDUA deficiency; MPS I; Mucopolysaccharidosis Type I. Identifiers: Orphanet 579, MedGen C0023786, MONDO:0001586.

Submission:

ClinGen Lysosomal Storage Disorder Variant Curation Expert Panel
Classification: Uncertain significance for Mucopolysaccharidosis type 1. Last evaluated: 2026-08-17. Review status: reviewed by expert panel. Criteria: ClinGen LSD ACMG Specifications IDUA V1.2.0. Collection method: curation. Allele origin: germline. Inheritance: Autosomal recessive inheritance.
Comment: The NM_000203.5:c.-2C>G is a 5'-untranslated region variant located upstream of the start site for IDUA. This variant has been detected in at least 2 individuals with MPS I. Of those individuals, 1 was compound heterozygous for the variant and a variant in IDUA that has been classified as pathogenic variant for MPS I by the ClinGen LD VCEP; and was also confirmed in trans by parental testing. The second variant included c.792+1G>C (PMID:21480867). (PM3). At least 2 patients with this variant had documented IDUA deficiency within the affected range in leukocytes, urinary GAGs expressed as specific GAG elevation above normal range, and clinical features specific to MPS I including hepatosplenomegaly and arthropathy. (PP4_Moderate). This variant is absent in gnomAD v4.1.0. (PM2_Supporting). In summary, this variant meets the criteria to be classified as a variant of uncertain significance (VUS) for MPS I based on the IDUA-specific ACMG/AMP criteria applied, as specified by the ClinGen Lysosomal Diseases Variant Curation Expert Panel (Specifications Version 1.20): PM3; PP4_moderate; PM2_supporting (Classification approved by the ClinGen Lysosomal Diseases Variant Curation Expert Panel on August 17, 2026)